The following is an entry in ClinVar:

NM_014927.5(CNKSR2):c.1243T>C (p.Tyr415His)

Gene: CNKSR2 (connector enhancer of kinase suppressor of Ras 2; plus strand). Cytogenetic location: Xp22.12.
Variant type: single nucleotide variant.
Coding change: c.1243T>C on transcript NM_014927.5 (MANE Select); coding-DNA position 1243, T replaced by C.
Protein change: p.Tyr415His; replaces tyrosine 415 with histidine.
Molecular consequence: missense variant.
Genome position (GRCh38, 1-based): chrX:21,532,007, T>C. VCF-style: chrX-21532007-T-C. GRCh37 (hg19) VCF-style: chrX-21550125-T-C.
Other names: c.1243T>C, p.Tyr415His (NM_001168647.3, NM_001168648.3, NM_001330773.2); c.1096T>C, p.Tyr366His (NM_001168649.3, NM_001330770.2, NM_001330771.2 and 1 more transcripts); short protein forms Y366H, Y415H.
Identifiers: ClinVar variation 3361865 (VCV003361865.3).

ClinVar aggregate classification (germline): Uncertain significance. Review status: criteria provided, multiple submitters, no conflicts (2 of 4 stars). 2 submissions from 2 submitters: Uncertain significance (2). Last evaluated 2025-06-20.

gnomAD v4.1: 1 of 1,203,276 alleles (0.000083%); highest among the groups gnomAD compares: Non-Finnish European, 0.00011%; no homozygotes.

Submissions (2):

Dasa
Classification: Uncertain significance. Last evaluated: 2025-06-20. Review status: criteria provided, single submitter. Criteria: DASA Assertion Criteria. Collection method: clinical testing. Allele origin: germline.
Comment: NM_014927.5(CNKSR2):c.1243T>C (p.Tyr415His) is a missense variant that results in the substitution of tyrosine with histidine. This variant is rare in population databases. Computational prediction algorithms are consistent with a benign effect. The currently available literature and clinical evidence are not sufficient to establish a definitive association between this variant and the reported condition. Therefore, this variant is classified as a variant of uncertain significance.

GeneDx
Classification: Uncertain significance. Last evaluated: 2023-08-07. Review status: criteria provided, single submitter. Criteria: GeneDx Variant Classification Process June 2021. Collection method: clinical testing. Allele origin: germline. Affected: yes.
Comment: In silico analysis supports that this missense variant does not alter protein structure/function; Has not been previously published as pathogenic or benign to our knowledge